The following is an entry in ClinVar:

NM_032119.4(ADGRV1):c.10974+1G>A

Gene: ADGRV1 (adhesion G protein-coupled receptor V1; plus strand). Cytogenetic location: 5q14.3.
Variant type: single nucleotide variant.
Coding change: c.10974+1G>A on transcript NM_032119.4 (MANE Select); the canonical splice donor site of the intron after coding-DNA position 10974, G replaced by A.
Molecular consequence: splice donor variant.
Genome position (GRCh38, 1-based): chr5:90,745,796, G>A. VCF-style: chr5-90745796-G-A. GRCh37 (hg19) VCF-style: chr5-90041613-G-A.
Identifiers: ClinVar variation 1066081 (VCV001066081.10), dbSNP rs1754560628, ClinGen allele CA360409799.

ClinVar aggregate classification (germline): Likely pathogenic. Review status: criteria provided, multiple submitters, no conflicts (2 of 4 stars). 2 submissions from 2 submitters: Likely pathogenic (2). Last evaluated 2023-02-03.

Conditions:
Usher syndrome type 2C. Also called: Usher syndrome, type 2B; USHER SYNDROME, TYPE IIC. Identifiers: Orphanet 231178, Orphanet 886, MedGen C2931213, MONDO:0011558, OMIM 605472.

Submissions (2):

Labcorp Genetics (formerly Invitae), Labcorp
Classification: Likely pathogenic. Last evaluated: 2023-02-03. Review status: criteria provided, single submitter. Criteria: Invitae Variant Classification Sherloc (09022015). Collection method: clinical testing. Allele origin: germline.
Comment: In summary, the currently available evidence indicates that the variant is pathogenic, but additional data are needed to prove that conclusively. Therefore, this variant has been classified as Likely Pathogenic. Algorithms developed to predict the effect of sequence changes on RNA splicing suggest that this variant may disrupt the consensus splice site. ClinVar contains an entry for this variant (Variation ID: 1066081). This variant has not been reported in the literature in individuals affected with ADGRV1-related conditions. This variant is not present in population databases (gnomAD no frequency). This sequence change affects a donor splice site in intron 52 of the ADGRV1 gene. It is expected to disrupt RNA splicing. Variants that disrupt the donor or acceptor splice site typically lead to a loss of protein function (PMID: 16199547), and loss-of-function variants in ADGRV1 are known to be pathogenic (PMID: 19357117, 22135276, 22147658, 26226137, 30718709, 31047384, 32467589).

Genetics and Molecular Pathology, SA Pathology
Classification: Likely pathogenic for Usher syndrome type 2C. Last evaluated: 2021-11-29. Review status: criteria provided, single submitter. Criteria: ACMG Guidelines, 2015. Collection method: clinical testing. Allele origin: germline. Affected: yes.

Literature cited by the submitters: PubMed 16199547 (cited by Labcorp Genetics (formerly Invitae), Labcorp); PubMed 19357117 (cited by Labcorp Genetics (formerly Invitae), Labcorp); PubMed 22135276 (cited by Labcorp Genetics (formerly Invitae), Labcorp); PubMed 22147658 (cited by Labcorp Genetics (formerly Invitae), Labcorp); PubMed 26226137 (cited by Labcorp Genetics (formerly Invitae), Labcorp); PubMed 30718709 (cited by Labcorp Genetics (formerly Invitae), Labcorp); PubMed 31047384 (cited by Labcorp Genetics (formerly Invitae), Labcorp); PubMed 32467589 (cited by Labcorp Genetics (formerly Invitae), Labcorp).